The following is an entry in ClinVar:

NM_003590.5(CUL3):c.1103_1106del (p.Gln368fs)

Gene: CUL3 (cullin 3; minus strand). Cytogenetic location: 2q36.2.
Variant type: Microsatellite.
Coding change: c.1103_1106del on transcript NM_003590.5 (MANE Select); coding-DNA positions 1103 to 1106, 4 bases deleted (AAAC; older notation c.1103_1106delAAAC).
Protein change: p.Gln368fs; shifts the reading frame from glutamine 368.
Molecular consequence: frameshift variant.
Genome position (GRCh38, 1-based): chr2:224,506,056-224,506,059, GTTT deleted on the plus strand (AAAC on the coding strand, the reverse complement: CUL3 is on the minus strand); deleting any 4 consecutive bases within chr2:224,506,056-224,506,063 gives the same sequence; the c. name uses the placement nearest the transcript's 3' end. VCF-style (leftmost placement, unchanged base first): chr2-224506055-AGTTT-A. GRCh37 (hg19) VCF-style: chr2-225370772-AGTTT-A.
Other names: c.1103_1106delAAAC (NM_003590.4); c.905_908del, p.Gln302fs (NM_001257197.2); c.1121_1124del, p.Gln374fs (NM_001257198.2); c.1103_1106del (NM_003590.4); short protein forms Q302fs, Q368fs, Q374fs.
Identifiers: ClinVar variation 2632505 (VCV002632505.3), dbSNP rs1692588792, ClinGen allele CA1331557111.

ClinVar aggregate classification (germline): Pathogenic/Likely pathogenic. Review status: criteria provided, multiple submitters, no conflicts (2 of 4 stars). 2 submissions from 2 submitters: Pathogenic (1); Likely pathogenic (1). Last evaluated 2025-01-24.

Conditions:
CUL3-related disorder. Also called: CUL3-related condition; CUL3-related disorders.

Submissions (2):

GeneDx
Classification: Pathogenic. Last evaluated: 2025-01-24. Review status: criteria provided, single submitter. Criteria: GeneDx Variant Classification Process June 2021. Collection method: clinical testing. Allele origin: germline.
Comment: Frameshift variant predicted to result in protein truncation or nonsense mediated decay in a gene for which loss of function is a known mechanism of disease; Not observed at significant frequency in large population cohorts (gnomAD); Has not been previously published as pathogenic or benign to our knowledge

PreventionGenetics, part of Exact Sciences
Classification: Likely pathogenic for CUL3-related condition. Last evaluated: 2023-06-08. Review status: criteria provided, single submitter. Criteria: ACMG Guidelines, 2015. Collection method: clinical testing. Allele origin: germline.
Comment: The CUL3 c.1103_1106delAAAC variant is predicted to result in a frameshift and premature protein termination (p.Gln368Leufs*28). To our knowledge, this variant has not been reported in the literature or in a large population database, indicating this variant is rare. Frameshift variants in CUL3 are expected to be pathogenic. This variant is interpreted as likely pathogenic.